The following is an entry in ClinVar:

NM_005506.4(SCARB2):c.1382_1383del (p.Gln461fs)

Gene: SCARB2 (scavenger receptor class B member 2; minus strand). Cytogenetic location: 4q21.1.
Variant type: Deletion.
Coding change: c.1382_1383del on transcript NM_005506.4 (MANE Select); coding-DNA positions 1382 to 1383, 2 bases deleted (AG; older notation c.1382_1383delAG).
Protein change: p.Gln461fs; shifts the reading frame from glutamine 461.
Molecular consequence: frameshift variant.
Genome position (GRCh38, 1-based): chr4:76,163,240-76,163,241, CT deleted on the plus strand (AG on the coding strand, the reverse complement: SCARB2 is on the minus strand). VCF-style (leftmost placement, unchanged base first): chr4-76163239-CCT-C. GRCh37 (hg19) VCF-style: chr4-77084392-CCT-C.
Other names: c.953_954del, p.Gln318fs (NM_001204255.2); short protein forms Q318fs, Q461fs.
Identifiers: ClinVar variation 566187 (VCV000566187.4), dbSNP rs1233094134, ClinGen allele CA552353688.

ClinVar aggregate classification (germline): Uncertain significance (1 of 4 stars; one submission).

Conditions:
Progressive myoclonic epilepsy. Also called: Myoclonic Epilepsies, Progressive; Familial progressive myoclonic epilepsy; Myoclonus epilepsy; Progressive myoclonus epilepsy. Identifiers: Orphanet 308, Orphanet 98261, MedGen C0751778, MONDO:0020074.

Allele frequency attached by ClinVar (database versions not stated): gnomAD exomes below 0.00001 and 0.00001.

Submission:

Labcorp Genetics (formerly Invitae), Labcorp
Classification: Uncertain significance for Progressive myoclonic epilepsy. Last evaluated: 2022-08-16. Review status: criteria provided, single submitter. Criteria: Invitae Variant Classification Sherloc (09022015). Collection method: clinical testing. Allele origin: germline.
Comment: This sequence change creates a premature translational stop signal (p.Gln461Argfs*5) in the SCARB2 gene. While this is not anticipated to result in nonsense mediated decay, it is expected to disrupt the last 18 amino acid(s) of the SCARB2 protein. This variant is present in population databases (no rsID available, gnomAD 0.0009%). This variant has not been reported in the literature in individuals affected with SCARB2-related conditions. ClinVar contains an entry for this variant (Variation ID: 566187). Algorithms developed to predict the effect of sequence changes on RNA splicing suggest that this variant may disrupt the consensus splice site. In summary, the available evidence is currently insufficient to determine the role of this variant in disease. Therefore, it has been classified as a Variant of Uncertain Significance.